The following is an entry in ClinVar:

ClinVar aggregate classification (germline): Uncertain significance (1 of 4 stars; one submission).

Conditions:
Thrombophilia due to protein S deficiency, autosomal recessive (THPH6). Identifiers: Orphanet 743, MedGen C3281092, MONDO:0013791, OMIM 614514. Disease mechanism: loss of function.

gnomAD v4.1: 20 of 1,613,144 alleles (0.0012%); highest among the groups gnomAD compares: South Asian, 0.0077%; no homozygotes.

Submission:

Labcorp Genetics (formerly Invitae), Labcorp
Classification: Uncertain significance for Thrombophilia due to protein S deficiency, autosomal recessive. Last evaluated: 2024-03-22. Review status: criteria provided, single submitter. Criteria: Invitae Variant Classification Sherloc (09022015). Collection method: clinical testing. Allele origin: germline.
Comment: This sequence change replaces glutamic acid, which is acidic and polar, with lysine, which is basic and polar, at codon 60 of the PROS1 protein (p.Glu60Lys). This variant is present in population databases (rs758232970, gnomAD 0.003%). This variant has not been reported in the literature in individuals affected with PROS1-related conditions. Advanced modeling of protein sequence and biophysical properties (such as structural, functional, and spatial information, amino acid conservation, physicochemical variation, residue mobility, and thermodynamic stability) performed at Invitae indicates that this missense variant is expected to disrupt PROS1 protein function with a positive predictive value of 80%. In summary, the available evidence is currently insufficient to determine the role of this variant in disease. Therefore, it has been classified as a Variant of Uncertain Significance.

NM_000313.4(PROS1):c.178G>A (p.Glu60Lys)

Gene: PROS1 (protein S; minus strand). Cytogenetic location: 3q11.1.
Variant type: single nucleotide variant.
Coding change: c.178G>A on transcript NM_000313.4 (MANE Select); coding-DNA position 178, G replaced by A.
Protein change: p.Glu60Lys; replaces glutamic acid 60 with lysine.
Molecular consequence: missense variant.
Genome position (GRCh38, 1-based): chr3:93,927,306, C>T on the plus strand (G>A on the coding strand, the complement: PROS1 is on the minus strand). VCF-style: chr3-93927306-C-T. GRCh37 (hg19) VCF-style: chr3-93646150-C-T.
Other names: c.274G>A, p.Glu92Lys (NM_001314077.2); short protein forms E60K, E92K.
Identifiers: ClinVar variation 3717248 (VCV003717248.2).